The following is an entry in ClinVar:

ClinVar aggregate classification (germline): Likely benign (1 of 4 stars; one submission).

gnomAD v4.1: 5 of 1,612,952 alleles (0.00031%); highest among the groups gnomAD compares: Non-Finnish European, 0.00042%; no homozygotes.

Submission:

CeGaT Center for Human Genetics Tuebingen
Classification: Likely benign. Last evaluated: 2025-05-01. Review status: criteria provided, single submitter. Criteria: CeGaT Center For Human Genetics Tuebingen Variant Classification Criteria Version 2. Collection method: clinical testing. Allele origin: germline. Affected: yes. Observed: 1 variant allele.
Comment: DDHD2: BP4, BP7

NM_015214.3(DDHD2):c.1050T>C (p.His350=)

Gene: DDHD2 (DDHD domain containing 2; plus strand). Cytogenetic location: 8p11.23.
Variant type: single nucleotide variant.
Coding change: c.1050T>C on transcript NM_015214.3 (MANE Select); coding-DNA position 1050, T replaced by C.
Protein change: p.His350=; no amino-acid change (histidine 350 retained).
Molecular consequence: synonymous variant. On other transcripts: non-coding transcript variant (2).
Genome position (GRCh38, 1-based): chr8:38,245,943, T>C. VCF-style: chr8-38245943-T-C. GRCh37 (hg19) VCF-style: chr8-38103461-T-C.
Other names: c.1050T>C, p.His350= (NM_001164232.2, NM_001362911.2, NM_001362912.2 and 1 more transcripts); c.960T>C, p.His320= (NM_001362913.2).
Identifiers: ClinVar variation 3905471 (VCV003905471.10).